The following is an entry in ClinVar:

ClinVar aggregate classification (germline): Uncertain significance (1 of 4 stars; one submission).

Conditions:
RYR1-related disorder. Also called: RYR1-related condition; RYR1-related disorders. Identifiers: MedGen CN239331.

gnomAD v4.1: 3 of 1,614,048 alleles (0.00019%); highest among the groups gnomAD compares: South Asian, 0.0011%; no homozygotes.

Submission:

Labcorp Genetics (formerly Invitae), Labcorp
Classification: Uncertain significance for RYR1-related disorder. Last evaluated: 2025-10-09. Review status: criteria provided, single submitter. Criteria: Invitae Variant Classification Sherloc (09022015). Collection method: clinical testing. Allele origin: germline.
Comment: This sequence change replaces asparagine, which is neutral and polar, with aspartic acid, which is acidic and polar, at codon 542 of the RYR1 protein (p.Asn542Asp). This variant is present in population databases (no rsID available, gnomAD 0.003%). This variant has not been reported in the literature in individuals affected with RYR1-related conditions. Invitae Evidence Modeling of protein sequence and biophysical properties (such as structural, functional, and spatial information, amino acid conservation, physicochemical variation, residue mobility, and thermodynamic stability) has been performed for this missense variant. However, the output from this modeling did not meet the statistical confidence thresholds required to predict the impact of this variant on RYR1 protein function. Algorithms developed to predict the effect of sequence changes on RNA splicing suggest that this variant may disrupt the consensus splice site. In summary, the available evidence is currently insufficient to determine the role of this variant in disease. Therefore, it has been classified as a Variant of Uncertain Significance.

NM_000540.3(RYR1):c.1624A>G (p.Asn542Asp)

Gene: RYR1 (ryanodine receptor 1; plus strand). Cytogenetic location: 19q13.2.
Variant type: single nucleotide variant.
Coding change: c.1624A>G on transcript NM_000540.3 (MANE Select); coding-DNA position 1624, A replaced by G.
Protein change: p.Asn542Asp; replaces asparagine 542 with aspartic acid.
Molecular consequence: missense variant.
Genome position (GRCh38, 1-based): chr19:38,455,498, A>G. VCF-style: chr19-38455498-A-G. GRCh37 (hg19) VCF-style: chr19-38946138-A-G.
Other names: c.1624A>G, p.Asn542Asp (NM_001042723.2); short protein forms N542D.
Identifiers: ClinVar variation 4705722 (VCV004705722.1).